The following is an entry in ClinVar:

NM_020631.6(PLEKHG5):c.2156_2157insAGA (p.Glu723_Gly724insGlu)

Gene: PLEKHG5 (pleckstrin homology and RhoGEF domain containing G5; minus strand). Cytogenetic location: 1p36.31.
Variant type: Insertion.
Coding change: c.2156_2157insAGA on transcript NM_020631.6 (MANE Select); coding-DNA positions 2156 to 2157, AGA inserted.
Protein change: p.Glu723_Gly724insGlu.
Molecular consequence: inframe insertion. On other transcripts: inframe indel (4).
Genome position: GRCh38 VCF-style: chr1-6469134-C-CTCT. GRCh37 (hg19) VCF-style: chr1-6529194-C-CTCT.
Other names: c.2267_2268insAGA, p.Glu760_Gly761insGlu (NM_001042663.3, NM_001265592.2); c.2154_2155insGAA, p.Glu723_Gly724insGlu (NM_001042664.2, NM_001042665.2, NM_001265594.3); c.2361_2362insGAA, p.Glu792_Gly793insGlu (NM_001265593.2); c.2156_2157insAGA, p.Glu723_Gly724insGlu (NM_198681.4).
Identifiers: ClinVar variation 468902 (VCV000468902.9), dbSNP rs1553173388, ClinGen allele CA658656872.

ClinVar aggregate classification (germline): Uncertain significance (1 of 4 stars; one submission).

Conditions:
Charcot-Marie-Tooth disease recessive intermediate C. Also called: CHARCOT-MARIE-TOOTH NEUROPATHY, RECESSIVE INTERMEDIATE C. Identifiers: Orphanet 369867, MedGen C3809309, MONDO:0014154, OMIM 615376.
Neuronopathy, distal hereditary motor, autosomal recessive 4. Also called: Autosomal recessive lower motor neuron disease with childhood onset; NEUROPATHY, DISTAL HEREDITARY MOTOR, AUTOSOMAL RECESSIVE 4. Identifiers: Orphanet 206580, MedGen C1970211, MONDO:0012608, OMIM 611067.

Submission:

Labcorp Genetics (formerly Invitae), Labcorp
Classification: Uncertain significance for Neuronopathy, distal hereditary motor, autosomal recessive 4; Charcot-Marie-Tooth disease recessive intermediate C. Last evaluated: 2017-06-02. Review status: criteria provided, single submitter. Criteria: Invitae Variant Classification Sherloc (09022015). Collection method: clinical testing. Allele origin: germline.
Comment: In summary, this variant has uncertain impact on PLEKHG5 function. The available evidence is currently insufficient to determine its role in disease. Therefore, it has been classified as a Variant of Uncertain Significance. This variant has not been reported in the literature in individuals with a PLEKHG5-related disease. This variant is not present in population databases (ExAC no frequency). This variant, c.2156_2157insAGA, results in the insertion of 1 amino acid to the PLEKHG5 protein (p.Glu723dup), but otherwise preserves the integrity of the reading frame.